The following is an entry in ClinVar:

ClinVar aggregate classification (germline): Conflicting classifications of pathogenicity. Review status: criteria provided, conflicting classifications (1 of 4 stars). 13 submissions from 13 submitters: Likely pathogenic (1); Uncertain significance (10). 2 of the submissions do not count toward it. Last evaluated 2025-12-15.

Conditions:
WDR62-related disorder. Also called: WDR62-related condition.
Inborn genetic diseases. Identifiers: MedGen C0950123, MeSH D030342.
Autosomal recessive primary microcephaly. Identifiers: Orphanet 2512, MedGen C3711387, MONDO:0016660.
Microcephaly 2, primary, autosomal recessive, with or without cortical malformations. Also called: WDR62 Primary Microcephaly; MICROCEPHALY 2, PRIMARY, AUTOSOMAL RECESSIVE, WITH CORTICAL MALFORMATIONS. Identifiers: Orphanet 2512, MedGen C1858535, MONDO:0011435, OMIM 604317.

Allele frequency attached by ClinVar (database versions not stated): TOPMed 0.00010; ExAC 0.00012; gnomAD 0.00022; ESP Exome Variant Server 0.00023.
gnomAD v4.1: 204 of 1,613,778 alleles (0.013%); highest among the groups gnomAD compares: Middle Eastern, 0.36%; no homozygotes.

Submissions (13):

Labcorp Genetics (formerly Invitae), Labcorp
Classification: Uncertain significance. Last evaluated: 2025-12-15. Review status: criteria provided, single submitter. Criteria: Invitae Variant Classification Sherloc (09022015). Collection method: clinical testing. Allele origin: germline.
Comment: This sequence change replaces glutamic acid, which is acidic and polar, with lysine, which is basic and polar, at codon 526 of the WDR62 protein (p.Glu526Lys). This variant is present in population databases (rs147875659, gnomAD 0.02%). This missense change has been observed in individual(s) with primary microcephaly (PMID: 20729831, 31130284). ClinVar contains an entry for this variant (Variation ID: 41). Invitae Evidence Modeling of protein sequence and biophysical properties (such as structural, functional, and spatial information, amino acid conservation, physicochemical variation, residue mobility, and thermodynamic stability) indicates that this missense variant is expected to disrupt WDR62 protein function with a positive predictive value of 80%. In summary, the available evidence is currently insufficient to determine the role of this variant in disease. Therefore, it has been classified as a Variant of Uncertain Significance.

Revvity Omics, Revvity
Classification: Uncertain significance for Microcephaly 2, primary, autosomal recessive, with or without cortical malformations. Last evaluated: 2025-04-23. Review status: criteria provided, single submitter. Criteria: ACMG Guidelines, 2015. Collection method: clinical testing. Allele origin: germline.

Dasa
Classification: Uncertain significance. Last evaluated: 2024-12-09. Review status: criteria provided, single submitter. Criteria: DASA Assertion Criteria. Collection method: clinical testing. Allele origin: germline.
Comment: NM_001083961.2(WDR62):c.1576G>A (p.Glu526Lys) is a missense variant that results in the substitution of glutamic acid with lysine. This variant has been observed in affected individuals with WDR62-related disorders. Also, this variant is rare in population databases. The currently available literature and clinical evidence are not sufficient to establish a definitive association between this variant and the reported condition. Therefore, this variant is classified as a variant of uncertain significance.

Blueprint Genetics
Classification: Likely pathogenic for WDR62-related disorders. Last evaluated: 2024-10-09. Review status: criteria provided, single submitter. Criteria: ACMG Guidelines, 2015. Collection method: clinical testing. Allele origin: germline. Affected: yes. Observed: 5 variant alleles.

Genomic Medicine Center of Excellence, King Faisal Specialist Hospital and Research Centre
Classification: Uncertain significance for Microcephaly 2, primary, autosomal recessive, with or without cortical malformations. Last evaluated: 2024-03-14. Review status: criteria provided, single submitter. Criteria: ACMG Guidelines, 2015. Collection method: research. Allele origin: germline.

GeneDx
Classification: Uncertain significance. Last evaluated: 2022-08-30. Review status: criteria provided, single submitter. Criteria: GeneDx Variant Classification Process June 2021. Collection method: clinical testing. Allele origin: germline. Affected: yes.
Comment: In silico analysis supports that this missense variant has a deleterious effect on protein structure/function; This variant is associated with the following publications: (PMID: 28756000, 20729831, 31130284, 31980526, 31258591, 21961505, 25303973, 24228726, 23065275, 34426522)

Ambry Genetics
Classification: Uncertain significance for Inborn genetic diseases. Last evaluated: 2022-05-10. Review status: criteria provided, single submitter. Criteria: Ambry Variant Classification Scheme 2023. Collection method: clinical testing. Allele origin: germline.
Comment: The c.1576G>A (p.E526K) alteration is located in exon 12 (coding exon 12) of the WDR62 gene. This alteration results from a G to A substitution at nucleotide position 1576, causing the glutamic acid (E) at amino acid position 526 to be replaced by a lysine (K). (Bilg&uuml;var, 2010), (Monies, 2019) Based on insufficient or conflicting evidence, the clinical significance of this alteration remains unclear.

Baylor Genetics
Classification: Uncertain significance for Microcephaly 2, primary, autosomal recessive, with or without cortical malformations. Last evaluated: 2020-06-03. Review status: criteria provided, single submitter. Criteria: ACMG Guidelines, 2015. Collection method: clinical testing. Allele origin: unknown. Affected: yes.
Comment: This variant was determined to be of uncertain significance according to ACMG Guidelines, 2015 [PMID:25741868].

Mayo Clinic Laboratories, Mayo Clinic
Classification: Uncertain significance. Last evaluated: 2019-05-20. Review status: criteria provided, single submitter. Criteria: ACMG Guidelines, 2015. Collection method: clinical testing. Allele origin: germline. Observed: 2 variant alleles.

Eurofins Ntd Llc (ga)
Classification: Uncertain significance. Last evaluated: 2015-01-21. Review status: criteria provided, single submitter. Criteria: EGL Classification Definitions 2015. Collection method: clinical testing. Allele origin: germline. Observed: 1 variant allele, 1 heterozygote.

Genetic Services Laboratory, University of Chicago
Classification: Uncertain significance for Microcephaly 2, primary, autosomal recessive, with or without cortical malformations. Last evaluated: 2014-05-19. Review status: criteria provided, single submitter. Criteria: ACMG Guidelines, 2015. Collection method: clinical testing. Allele origin: germline. Inheritance: Autosomal recessive inheritance.

Women's Health and Genetics/Laboratory Corporation of America, LabCorp
Classification: Likely pathogenic for Autosomal recessive primary microcephaly. Last evaluated: 2023-02-07. Review status: flagged submission. Criteria: LabCorp Variant Classification Summary - May 2015. Collection method: clinical testing. Allele origin: germline. Not counted in ClinVar's aggregate classification.
Comment: Variant summary: WDR62 c.1576G>A (p.Glu526Lys) results in a conservative amino acid change located in the WD40-repeat-containing domain (IPR017986) of the encoded protein sequence. Three of five in-silico tools predict a damaging effect of the variant on protein function. The variant allele was found at a frequency of 0.00013 in 285130 control chromosomes (gnomAD, Bilguvar_2010). c.1576G>A has been reported in the literature in at least two homozygous individuals affected with neurological malformations and intellectual disability (Bilguvar_2010, Monies_2019). These data indicate that the variant is likely to be associated with disease. To our knowledge, no experimental evidence demonstrating an impact on protein function has been reported. Five ClinVar submitters have assessed the variant since 2014: all five classified the variant as uncertain significance. Based on the evidence outlined above, the variant was classified as likely pathogenic.
ClinVar note: Reason: Outlier claim with insufficient supporting evidence

OMIM
Classification: Pathogenic for MICROCEPHALY 2, PRIMARY, AUTOSOMAL RECESSIVE, WITH CORTICAL MALFORMATIONS. Last evaluated: 2010-09-09. Review status: flagged submission. Collection method: literature only. Allele origin: germline. Not counted in ClinVar's aggregate classification.
ClinVar note: Reason: Outlier claim with insufficient supporting evidence

Literature cited by the submitters: PubMed 20729831 (cited by 5 submitters); PubMed 31130284 (cited by 3 submitters); PubMed 24228726 (cited by Women's Health and Genetics/Laboratory Corporation of America, LabCorp); PubMed 21961505 (cited by Women's Health and Genetics/Laboratory Corporation of America, LabCorp); PubMed 23065275 (cited by Women's Health and Genetics/Laboratory Corporation of America, LabCorp); PubMed 28756000 (cited by Women's Health and Genetics/Laboratory Corporation of America, LabCorp); PubMed 25303973 (cited by Women's Health and Genetics/Laboratory Corporation of America, LabCorp).

NM_001083961.2(WDR62):c.1576G>A (p.Glu526Lys)

Gene: WDR62 (WD repeat domain 62; plus strand). Cytogenetic location: 19q13.12.
Variant type: single nucleotide variant.
Coding change: c.1576G>A on transcript NM_001083961.2 (MANE Select); coding-DNA position 1576, G replaced by A.
Protein change: p.Glu526Lys; replaces glutamic acid 526 with lysine.
Molecular consequence: missense variant.
Genome position (GRCh38, 1-based): chr19:36,084,678, G>A. VCF-style: chr19-36084678-G-A. GRCh37 (hg19) VCF-style: chr19-36575580-G-A.
Other names: c.1576G>A, p.Glu526Lys (NM_173636.5); short protein forms E526K.
Identifiers: ClinVar variation 41 (VCV000000041.33), dbSNP rs147875659, ClinGen allele CA239800.